The following is an entry in ClinVar:

NM_152424.4(AMER1):c.2911G>A (p.Gly971Ser)

Gene: AMER1 (APC membrane recruitment protein 1; minus strand). Cytogenetic location: Xq11.2.
Variant type: single nucleotide variant.
Coding change: c.2911G>A on transcript NM_152424.4 (MANE Select); coding-DNA position 2911, G replaced by A.
Protein change: p.Gly971Ser; replaces glycine 971 with serine.
Molecular consequence: missense variant.
Genome position (GRCh38, 1-based): chrX:64,190,376, C>T on the plus strand (G>A on the coding strand, the complement: AMER1 is on the minus strand). VCF-style: chrX-64190376-C-T. GRCh37 (hg19) VCF-style: chrX-63410256-C-T.
Other names: short protein forms G971S.
Identifiers: ClinVar variation 3619980 (VCV003619980.2).
Genomic context (GRCh38, chrX:64,190,376, plus strand): 5'-GCCTATATGGAGACTGGCTGGAAGGCCTGTCCAACTGGTTGGGGCTTATCCAGGCAGGAC[C>T]TGGCCCCACTGGAAGAGGACAGGGAGCCCAAGCAGGCCAATCATAGGCCCCTGGGGGTTC-3'
Protein context (NP_689637.3, residues 961-981): WAPCPLPVGP[Gly971Ser]PAWISPNQLD

ClinVar aggregate classification (germline): Uncertain significance (1 of 4 stars; one submission).

gnomAD v4.1: 22 of 1,210,002 alleles (0.0018%); highest among the groups gnomAD compares: Non-Finnish European, 0.0023%; no homozygotes.

Submission:

Labcorp Genetics (formerly Invitae), Labcorp
Classification: Uncertain significance. Last evaluated: 2024-10-21. Review status: criteria provided, single submitter. Criteria: Invitae Variant Classification Sherloc (09022015). Collection method: clinical testing. Allele origin: germline.
Comment: This sequence change replaces glycine, which is neutral and non-polar, with serine, which is neutral and polar, at codon 971 of the AMER1 protein (p.Gly971Ser). This variant is present in population databases (rs371014578, gnomAD 0.01%), including at least one homozygous and/or hemizygous individual. This variant has not been reported in the literature in individuals affected with AMER1-related conditions. An algorithm developed to predict the effect of missense changes on protein structure and function outputs the following: PolyPhen-2: "Benign". The serine amino acid residue is found in multiple mammalian species, which suggests that this missense change does not adversely affect protein function. In summary, the available evidence is currently insufficient to determine the role of this variant in disease. Therefore, it has been classified as a Variant of Uncertain Significance.